The following is an entry in ClinVar:

ClinVar aggregate classification (germline): Likely benign. Review status: criteria provided, multiple submitters, no conflicts (2 of 4 stars). 2 submissions from 2 submitters: Likely benign (2). Last evaluated 2023-01-01.

Conditions:
Deficiency of adenosine deaminase 2. Also called: Polyarteritis nodosa, childhoood-onset; Adenosine Deaminase 2 Deficiency; VASCULITIS, AUTOINFLAMMATION, IMMUNODEFICIENCY, AND HEMATOLOGIC DEFECTS SYNDROME. Identifiers: Orphanet 404553, MedGen C3887654, MONDO:0014306, OMIM 615688, MONDO:0100317.

Submissions (2):

CeGaT Center for Human Genetics Tuebingen
Classification: Likely benign. Last evaluated: 2023-01-01. Review status: criteria provided, single submitter. Criteria: CeGaT Center For Human Genetics Tuebingen Variant Classification Criteria Version 2. Collection method: clinical testing. Allele origin: germline. Affected: yes. Observed: 1 variant allele.
Comment: ADA2: PM2:Supporting, BP4, BP7

Labcorp Genetics (formerly Invitae), Labcorp
Classification: Likely benign for Deficiency of adenosine deaminase 2. Last evaluated: 2019-04-01. Review status: criteria provided, single submitter. Criteria: Invitae Variant Classification Sherloc (09022015). Collection method: clinical testing. Allele origin: germline.

NM_001282225.2(ADA2):c.1497G>A (p.Lys499=)

Gene: ADA2 (adenosine deaminase 2; minus strand). Cytogenetic location: 22q11.1.
Variant type: single nucleotide variant.
Coding change: c.1497G>A on transcript NM_001282225.2 (MANE Select); coding-DNA position 1497, G replaced by A.
Protein change: p.Lys499=; no amino-acid change (lysine 499 retained).
Molecular consequence: synonymous variant.
Genome position (GRCh38, 1-based): chr22:17,181,522, C>T on the plus strand (G>A on the coding strand, the complement: ADA2 is on the minus strand). VCF-style: chr22-17181522-C-T. GRCh37 (hg19) VCF-style: chr22-17662412-C-T.
Other names: c.1497G>A, p.Lys499= (NM_001282226.2); c.1371G>A, p.Lys457= (NM_001282227.2, NM_001282228.2); c.1137G>A, p.Lys379= (NM_001282229.2); c.774G>A, p.Lys258= (NM_177405.3).
Identifiers: ClinVar variation 1117194 (VCV001117194.28), dbSNP rs2123598853, ClinGen allele CA512862966.